The following is an entry in ClinVar:

ClinVar aggregate classification (germline): Conflicting classifications of pathogenicity. Review status: criteria provided, conflicting classifications (1 of 4 stars). 4 submissions from 4 submitters: Likely pathogenic (1); Uncertain significance (3). Last evaluated 2025-10-29.

Conditions:
Inborn genetic diseases. Identifiers: MedGen C0950123, MeSH D030342.
Tooth agenesis, selective, 10 (STHAG10). Identifiers: MedGen C5774277, MONDO:0859339, OMIM 620173.

Allele frequency attached by ClinVar (database versions not stated): ExAC 0.00009; gnomAD 0.00001; gnomAD exomes 0.00008.
gnomAD v4.1: 43 of 1,606,400 alleles (0.0027%); highest among the groups gnomAD compares: South Asian, 0.041%; no homozygotes.

Submissions (4):

Kasturba Medical College, Manipal, Kasturba Medical College, Manipal, Manipal Academy of Higher Education, Manipal, India
Classification: Likely pathogenic for Tooth agenesis, selective, 10. Last evaluated: 2025-10-29. Review status: criteria provided, single submitter. Criteria: ACMG Guidelines, 2015. Collection method: research. Allele origin: maternal. Inheritance: Autosomal recessive inheritance. Affected: yes. Observed: 1 compound heterozygote.
Comment: This variant is observed heterozygous state in 17 individuals in our in-house data of 3860 exomes and in 43 individuals in gnomAD database (v4.1.0). The variant was not observed in homozygous state in in-house data of 3860 exomes and in gnomAD database (v4.1.0). In silico prediction tools (CADD_phred, REVEL) are consistent in predicting the variant to be damaging the TSPEAR protein function. This variant has been reported in ClinVar as variant of uncertain significance by three submitters (VCV001203962.6).

Labcorp Genetics (formerly Invitae), Labcorp
Classification: Uncertain significance. Last evaluated: 2025-04-27. Review status: criteria provided, single submitter. Criteria: Invitae Variant Classification Sherloc (09022015). Collection method: clinical testing. Allele origin: germline.
Comment: This sequence change replaces tryptophan, which is neutral and slightly polar, with arginine, which is basic and polar, at codon 640 of the TSPEAR protein (p.Trp640Arg). This variant is present in population databases (rs782145177, gnomAD 0.06%). This variant has not been reported in the literature in individuals affected with TSPEAR-related conditions. ClinVar contains an entry for this variant (Variation ID: 1203962). Invitae Evidence Modeling of protein sequence and biophysical properties (such as structural, functional, and spatial information, amino acid conservation, physicochemical variation, residue mobility, and thermodynamic stability) indicates that this missense variant is expected to disrupt TSPEAR protein function with a positive predictive value of 80%. In summary, the available evidence is currently insufficient to determine the role of this variant in disease. Therefore, it has been classified as a Variant of Uncertain Significance.

Ambry Genetics
Classification: Uncertain significance for Inborn genetic diseases. Last evaluated: 2024-01-02. Review status: criteria provided, single submitter. Criteria: Ambry Variant Classification Scheme 2023. Collection method: clinical testing. Allele origin: germline.

GeneDx
Classification: Uncertain significance. Last evaluated: 2020-09-04. Review status: criteria provided, single submitter. Criteria: GeneDx Variant Classification Process June 2021. Collection method: clinical testing. Allele origin: germline. Affected: yes.
Comment: In silico analysis supports that this missense variant has a deleterious effect on protein structure/function; Has not been previously published as pathogenic or benign to our knowledge

NM_144991.3(TSPEAR):c.1918T>C (p.Trp640Arg)

Gene: TSPEAR (thrombospondin type laminin G domain and EAR repeats; minus strand). Cytogenetic location: 21q22.3.
Variant type: single nucleotide variant.
Coding change: c.1918T>C on transcript NM_144991.3 (MANE Select); coding-DNA position 1918, T replaced by C.
Protein change: p.Trp640Arg; replaces tryptophan 640 with arginine.
Molecular consequence: missense variant.
Genome position (GRCh38, 1-based): chr21:44,499,875, A>G on the plus strand (T>C on the coding strand, the complement: TSPEAR is on the minus strand). VCF-style: chr21-44499875-A-G. GRCh37 (hg19) VCF-style: chr21-45919758-A-G.
Other names: c.1714T>C, p.Trp572Arg (NM_001272037.2); short protein forms W572R, W640R.
Identifiers: ClinVar variation 1203962 (VCV001203962.7), dbSNP rs782145177, ClinGen allele CA10056256.